The following is an entry in ClinVar:

NM_152564.5(VPS13B):c.9247A>C (p.Lys3083Gln)

Gene: VPS13B (vacuolar protein sorting 13 homolog B; plus strand). Cytogenetic location: 8q22.2.
Variant type: single nucleotide variant.
Coding change: c.9247A>C on transcript NM_152564.5 (MANE Select); coding-DNA position 9247, A replaced by C.
Protein change: p.Lys3083Gln; replaces lysine 3083 with glutamine.
Molecular consequence: missense variant.
Genome position (GRCh38, 1-based): chr8:99,823,895, A>C. VCF-style: chr8-99823895-A-C. GRCh37 (hg19) VCF-style: chr8-100836123-A-C.
Other names: c.9322A>C, p.Lys3108Gln (NM_017890.5); short protein forms K3083Q, K3108Q.
Identifiers: ClinVar variation 2684166 (VCV002684166.1), dbSNP rs2492027618, ClinGen allele CA371780135.

ClinVar aggregate classification (germline): Uncertain significance (1 of 4 stars; one submission).

Allele frequency attached by ClinVar (database versions not stated): gnomAD exomes below 0.00001.
gnomAD v4.1: 1 of 1,613,418 alleles (0.000062%); highest among the groups gnomAD compares: Admixed American, 0.0017%; no homozygotes.

Submission:

Athena Diagnostics
Classification: Uncertain significance. Last evaluated: 2023-08-07. Review status: criteria provided, single submitter. Criteria: Athena Diagnostics Criteria. Collection method: clinical testing. Allele origin: unknown.
Comment: Available data are insufficient to determine the clinical significance of the variant at this time. This variant has not been reported in large, multi-ethnic general populations. Computational tools predict that this variant is not damaging.